The following is an entry in ClinVar:

NM_000553.6(WRN):c.3863G>A (p.Gly1288Asp)

Gene: WRN (WRN RecQ like helicase; plus strand). Cytogenetic location: 8p12.
Variant type: single nucleotide variant.
Coding change: c.3863G>A on transcript NM_000553.6 (MANE Select); coding-DNA position 3863, G replaced by A.
Protein change: p.Gly1288Asp; replaces glycine 1288 with aspartic acid.
Molecular consequence: missense variant.
Genome position (GRCh38, 1-based): chr8:31,157,411, G>A. VCF-style: chr8-31157411-G-A. GRCh37 (hg19) VCF-style: chr8-31014927-G-A.
Other names: short protein forms G1288D.
Identifiers: ClinVar variation 858985 (VCV000858985.5), dbSNP rs1803427777, ClinGen allele CA370929363.

ClinVar aggregate classification (germline): Uncertain significance (1 of 4 stars; one submission).

Conditions:
Werner syndrome (WRN). Identifiers: Orphanet 902, MedGen C0043119, MONDO:0010196, OMIM 277700.

Submission:

Labcorp Genetics (formerly Invitae), Labcorp
Classification: Uncertain significance for Werner syndrome. Last evaluated: 2020-12-22. Review status: criteria provided, single submitter. Criteria: Invitae Variant Classification Sherloc (09022015). Collection method: clinical testing. Allele origin: germline.
Comment: Algorithms developed to predict the effect of missense changes on protein structure and function are either unavailable or do not agree on the potential impact of this missense change (SIFT: "Not Available"; PolyPhen-2: "Probably Damaging"; Align-GVGD: "Class Not Available"). In summary, the available evidence is currently insufficient to determine the role of this variant in disease. Therefore, it has been classified as a Variant of Uncertain Significance. This variant has not been reported in the literature in individuals with WRN-related conditions. ClinVar contains an entry for this variant (Variation ID: 858985). This variant is not present in population databases (ExAC no frequency). This sequence change replaces glycine with aspartic acid at codon 1288 of the WRN protein (p.Gly1288Asp). The glycine residue is highly conserved and there is a moderate physicochemical difference between glycine and aspartic acid.